The following is an entry in ClinVar:

NM_032043.3(BRIP1):c.895A>G (p.Met299Val)

Gene: BRIP1 (BRCA1 interacting DNA helicase 1; minus strand). Cytogenetic location: 17q23.2.
Variant type: single nucleotide variant.
Coding change: c.895A>G on transcript NM_032043.3 (MANE Select); coding-DNA position 895, A replaced by G.
Protein change: p.Met299Val; replaces methionine 299 with valine.
Molecular consequence: missense variant.
Genome position (GRCh38, 1-based): chr17:61,808,490, T>C on the plus strand (A>G on the coding strand, the complement: BRIP1 is on the minus strand). VCF-style: chr17-61808490-T-C. GRCh37 (hg19) VCF-style: chr17-59885851-T-C.
Other names: short protein forms M299V.
Identifiers: ClinVar variation 1316929 (VCV001316929.14), dbSNP rs1242769076, ClinGen allele CA400484684.
Genomic context (GRCh38, chr17:61,808,490, plus strand): 5'-CCTTATTTTTTCTCTAACACAAAATAACTTTACTCACGTTTTTCCCATCTAGCAATTCCA[T>C]GCACTTCTCATTTCTGTTGAAGTTACCGACTACCTCAGGATGGACACAAGTATGATCCCT-3'
Protein context (NP_114432.2, residues 289-309): VGNFNRNEKC[Met299Val]ELLDGKNGKS

ClinVar aggregate classification (germline): Uncertain significance. Review status: criteria provided, multiple submitters, no conflicts (2 of 4 stars). 4 submissions from 4 submitters: Uncertain significance (4). Last evaluated 2024-09-27.

Conditions:
Hereditary cancer-predisposing syndrome. Also called: Neoplastic Syndromes, Hereditary; Hereditary Cancer Syndrome; Tumor predisposition; Hereditary neoplastic syndrome. Identifiers: Orphanet 140162, MedGen C0027672, MeSH D009386, MONDO:0015356.
Familial cancer of breast. Also called: Hereditary breast cancer; hereditary breast carcinoma; BREAST CANCER, FAMILIAL. Identifiers: Orphanet 227535, MedGen C0346153, MONDO:0016419, OMIM 114480. Disease mechanism: loss of function.
Fanconi anemia complementation group J. Also called: BRIP1-Related Fanconi Anemia. Identifiers: Orphanet 84, MedGen C1836860, MONDO:0012187, OMIM 609054.

gnomAD v4.1: 8 of 1,613,780 alleles (0.0005%); highest among the groups gnomAD compares: Middle Eastern, 0.016%; no homozygotes.

Submissions (4):

Labcorp Genetics (formerly Invitae), Labcorp
Classification: Uncertain significance for Familial cancer of breast; Fanconi anemia complementation group J. Last evaluated: 2024-09-27. Review status: criteria provided, single submitter. Criteria: Invitae Variant Classification Sherloc (09022015). Collection method: clinical testing. Allele origin: germline.
Comment: This sequence change replaces methionine, which is neutral and non-polar, with valine, which is neutral and non-polar, at codon 299 of the BRIP1 protein (p.Met299Val). This variant is not present in population databases (gnomAD no frequency). This variant has not been reported in the literature in individuals affected with BRIP1-related conditions. ClinVar contains an entry for this variant (Variation ID: 1316929). Invitae Evidence Modeling of protein sequence and biophysical properties (such as structural, functional, and spatial information, amino acid conservation, physicochemical variation, residue mobility, and thermodynamic stability) indicates that this missense variant is not expected to disrupt BRIP1 protein function with a negative predictive value of 80%. In summary, the available evidence is currently insufficient to determine the role of this variant in disease. Therefore, it has been classified as a Variant of Uncertain Significance.

Ambry Genetics
Classification: Uncertain significance for Hereditary cancer-predisposing syndrome. Last evaluated: 2024-05-16. Review status: criteria provided, single submitter. Criteria: Ambry Variant Classification Scheme 2023. Collection method: clinical testing. Allele origin: germline.

Baylor Genetics
Classification: Uncertain significance for Familial cancer of breast. Last evaluated: 2023-07-26. Review status: criteria provided, single submitter. Criteria: ACMG Guidelines, 2015. Collection method: clinical testing. Allele origin: unknown.

GeneDx
Classification: Uncertain significance. Last evaluated: 2020-02-03. Review status: criteria provided, single submitter. Criteria: GeneDx Variant Classification Process June 2021. Collection method: clinical testing. Allele origin: germline. Affected: yes.
Comment: Not observed in large population cohorts (Lek et al., 2016); Has not been previously published as pathogenic or benign to our knowledge; While protein-based in silico analysis supports that this variant does not alter protein structure/function, splice predictors suggest this variant may impact gene splicing. In the absence of RNA or functional studies, the actual effect of this sequence change is unknown.